The following is an entry in ClinVar:

NM_006904.7(PRKDC):c.1747C>T (p.Leu583Phe)

Gene: PRKDC (protein kinase, DNA-activated, catalytic subunit; minus strand). Cytogenetic location: 8q11.21.
Variant type: single nucleotide variant.
Coding change: c.1747C>T on transcript NM_006904.7 (MANE Select); coding-DNA position 1747, C replaced by T.
Protein change: p.Leu583Phe; replaces leucine 583 with phenylalanine.
Molecular consequence: missense variant.
Genome position (GRCh38, 1-based): chr8:47,933,049, G>A on the plus strand (C>T on the coding strand, the complement: PRKDC is on the minus strand). VCF-style: chr8-47933049-G-A. GRCh37 (hg19) VCF-style: chr8-48845609-G-A.
Other names: c.1747C>T, p.Leu583Phe (NM_001081640.2); short protein forms L583F.
Identifiers: ClinVar variation 1779322 (VCV001779322.2), dbSNP rs921811356, ClinGen allele CA371164950.
Genomic context (GRCh38, chr8:47,933,049, plus strand): 5'-TGAAAAATTACTACTGATAAAAATTTCTAACCTCTTGTTCCCCAACAGTCTGTATTTCAA[G>A]TGTAAGATCCAATTTCTCAACAATCTTCAAAACGGATTTTACAAATTCATCATAAAGTAA-3'
Protein context (NP_008835.5, residues 573-593): LKIVEKLDLT[Leu583Phe]EIQTVGEQEN

ClinVar aggregate classification (germline): Uncertain significance (1 of 4 stars; one submission).

Submission:

Ambry Genetics
Classification: Uncertain significance. Last evaluated: 2022-01-21. Review status: criteria provided, single submitter. Criteria: Ambry Variant Classification Scheme 2023. Collection method: clinical testing. Allele origin: germline.
Comment: The p.L583F variant (also known as c.1747C>T), located in coding exon 16 of the PRKDC gene, results from a C to T substitution at nucleotide position 1747. The leucine at codon 583 is replaced by phenylalanine, an amino acid with highly similar properties. This amino acid position is conserved. In addition, this alteration is predicted to be tolerated by in silico analysis. Since supporting evidence is limited at this time, the clinical significance of this alteration remains unclear.